The following is an entry in ClinVar:

NM_000372.5(TYR):c.745G>C (p.Asp249His)

Gene: TYR (tyrosinase; plus strand). Cytogenetic location: 11q14.3.
Variant type: single nucleotide variant.
Coding change: c.745G>C on transcript NM_000372.5 (MANE Select); coding-DNA position 745, G replaced by C.
Protein change: p.Asp249His; replaces aspartic acid 249 with histidine.
Molecular consequence: missense variant.
Genome position (GRCh38, 1-based): chr11:89,178,698, G>C. VCF-style: chr11-89178698-G-C. GRCh37 (hg19) VCF-style: chr11-88911866-G-C.
Other names: short protein forms D249H.
Identifiers: ClinVar variation 2038131 (VCV002038131.4), dbSNP rs1943262000, ClinGen allele CA382035278.
Genomic context (GRCh38, chr11:89,178,698, plus strand): 5'-GAAAACTTCACTATTCCATATTGGGACTGGCGGGATGCAGAAAAGTGTGACATTTGCACA[G>C]ATGAGTACATGGGAGGTCAGCACCCCACAAATCCTAACTTACTCAGCCCAGCATCATTCT-3'
Protein context (NP_000363.1, residues 239-259): RDAEKCDICT[Asp249His]EYMGGQHPTN

ClinVar aggregate classification (germline): Likely pathogenic (1 of 4 stars; one submission).

Submission:

Labcorp Genetics (formerly Invitae), Labcorp
Classification: Likely pathogenic. Last evaluated: 2022-01-07. Review status: criteria provided, single submitter. Criteria: Invitae Variant Classification Sherloc (09022015). Collection method: clinical testing. Allele origin: germline.
Comment: This sequence change replaces aspartic acid, which is acidic and polar, with histidine, which is basic and polar, at codon 249 of the TYR protein (p.Asp249His). This variant is not present in population databases (gnomAD no frequency). This missense change has been observed in individual(s) with clinical features of oculocutaneous albinism (Invitae). In at least one individual the data is consistent with being in trans (on the opposite chromosome) from a pathogenic variant. Advanced modeling of protein sequence and biophysical properties (such as structural, functional, and spatial information, amino acid conservation, physicochemical variation, residue mobility, and thermodynamic stability) performed at Invitae indicates that this missense variant is expected to disrupt TYR protein function. This variant disrupts the p.Asp249 amino acid residue in TYR. Other variant(s) that disrupt this residue have been observed in individuals with TYR-related conditions (PMID: 19865097), which suggests that this may be a clinically significant amino acid residue. In summary, the currently available evidence indicates that the variant is pathogenic, but additional data are needed to prove that conclusively. Therefore, this variant has been classified as Likely Pathogenic.

Literature cited by the submitters: PubMed 19865097.